The following is an entry in ClinVar:

ClinVar aggregate classification (germline): Likely pathogenic (0 of 4 stars; one submission).

Conditions:
Developmental and epileptic encephalopathy, 5 (DEE5). Identifiers: Orphanet 3451, MedGen C3150731, MONDO:0013277, OMIM 613477.

Submission:

HUSP Clinical Genetics Laboratory, Hospital Universitario San Pedro De Logroño (HUSP)
Classification: Likely pathogenic for Developmental and epileptic encephalopathy, 5. Last evaluated: 2021-01-14. Review status: no assertion criteria provided. Collection method: clinical testing. Allele origin: de novo. Inheritance: Autosomal dominant inheritance. Affected: yes. Observed: 1 variant allele, 1 heterozygote.
Comment: The c.4640T>A variant in the SPTAN1 gene (NM_001130438.3) consists of an amino acid change (p.Leu1547Gln). This alteration has not been reported previously in the literature and it is not detected in the general population. The in-silico tools predict that it is very likely to affect the protein function. Pathological variants in the SPTAN1 gene are associated with the phenotype of Developmental and epileptic encephalopathy 5 (OMIM: 613477) with autosomal dominant inheritance. Therefore, the clinical significance of the c.4640T>A variant is likely pathogenic.

NM_001130438.3(SPTAN1):c.4640T>A (p.Leu1547Gln)

Gene: SPTAN1 (spectrin alpha, non-erythrocytic 1; plus strand). Cytogenetic location: 9q34.11.
Variant type: single nucleotide variant.
Coding change: c.4640T>A on transcript NM_001130438.3 (MANE Select); coding-DNA position 4640, T replaced by A.
Protein change: p.Leu1547Gln; replaces leucine 1547 with glutamine.
Molecular consequence: missense variant.
Genome position (GRCh38, 1-based): chr9:128,609,166, T>A. VCF-style: chr9-128609166-T-A. GRCh37 (hg19) VCF-style: chr9-131371445-T-A.
Other names: c.4580T>A, p.Leu1527Gln (NM_001195532.2, NM_001363765.2, NM_001375314.2); c.4640T>A, p.Leu1547Gln (NM_001363759.2, NM_001375310.1, NM_001375311.2 and 2 more transcripts); c.4676T>A, p.Leu1559Gln (NM_001375312.2, NM_001375318.1); short protein forms L1527Q, L1547Q, L1559Q.
Identifiers: ClinVar variation 1027548 (VCV001027548.3), dbSNP rs1856289676, ClinGen allele CA375068770.